The following is an entry in ClinVar:

ClinVar aggregate classification (germline): Uncertain significance (1 of 4 stars; one submission).

Allele frequency attached by ClinVar (database versions not stated): gnomAD exomes below 0.00001.
gnomAD v4.1: 2 of 1,613,692 alleles (0.00012%); highest among the groups gnomAD compares: Non-Finnish European, 0.00017%; no homozygotes.

Submission:

Labcorp Genetics (formerly Invitae), Labcorp
Classification: Uncertain significance. Last evaluated: 2024-04-25. Review status: criteria provided, single submitter. Criteria: Invitae Variant Classification Sherloc (09022015). Collection method: clinical testing. Allele origin: germline.
Comment: This sequence change replaces threonine, which is neutral and polar, with alanine, which is neutral and non-polar, at codon 536 of the ITGAM protein (p.Thr536Ala). This variant is not present in population databases (gnomAD no frequency). This variant has not been reported in the literature in individuals affected with ITGAM-related conditions. ClinVar contains an entry for this variant (Variation ID: 1951930). Algorithms developed to predict the effect of missense changes on protein structure and function output the following: SIFT: "Not Available"; PolyPhen-2: "Benign"; Align-GVGD: "Not Available". The alanine amino acid residue is found in multiple mammalian species, which suggests that this missense change does not adversely affect protein function. In summary, the available evidence is currently insufficient to determine the role of this variant in disease. Therefore, it has been classified as a Variant of Uncertain Significance.

NM_000632.4(ITGAM):c.1606A>G (p.Thr536Ala)

Gene: ITGAM (integrin subunit alpha M; plus strand). Cytogenetic location: 16p11.2.
Variant type: single nucleotide variant.
Coding change: c.1606A>G on transcript NM_000632.4 (MANE Select); coding-DNA position 1606, A replaced by G.
Protein change: p.Thr536Ala; replaces threonine 536 with alanine.
Molecular consequence: missense variant.
Genome position (GRCh38, 1-based): chr16:31,297,853, A>G. VCF-style: chr16-31297853-A-G. GRCh37 (hg19) VCF-style: chr16-31309174-A-G.
Other names: c.1609A>G, p.Thr537Ala (NM_001145808.2); short protein forms T537A, T536A.
Identifiers: ClinVar variation 1951930 (VCV001951930.5), dbSNP rs2544440835, ClinGen allele CA395671454.